The following is an entry in ClinVar:

ClinVar aggregate classification (germline): Pathogenic/Likely pathogenic. Review status: criteria provided, multiple submitters, no conflicts (2 of 4 stars). 2 submissions from 2 submitters: Pathogenic (1); Likely pathogenic (1). Last evaluated 2024-04-08.

Conditions:
COL2A1-related disorder. Also called: COL2A1-related condition; COL2A1-related disorders.

Submissions (2):

Labcorp Genetics (formerly Invitae), Labcorp
Classification: Pathogenic. Last evaluated: 2024-04-08. Review status: criteria provided, single submitter. Criteria: Invitae Variant Classification Sherloc (09022015). Collection method: clinical testing. Allele origin: germline.
Comment: This sequence change replaces cysteine, which is neutral and slightly polar, with tryptophan, which is neutral and slightly polar, at codon 1323 of the COL2A1 protein (p.Cys1323Trp). This variant is not present in population databases (gnomAD no frequency). This missense change has been observed in individual(s) with spondyloepiphyseal dysplasia congenita (PMID: 28265456). In at least one individual the variant was observed to be de novo. ClinVar contains an entry for this variant (Variation ID: 2137323). Advanced modeling of protein sequence and biophysical properties (such as structural, functional, and spatial information, amino acid conservation, physicochemical variation, residue mobility, and thermodynamic stability) performed at Invitae indicates that this missense variant is expected to disrupt COL2A1 protein function with a positive predictive value of 95%. This variant disrupts the p.Cys1323 amino acid residue in COL2A1. Other variant(s) that disrupt this residue have been determined to be pathogenic (Invitae). This suggests that this residue is clinically significant, and that variants that disrupt this residue are likely to be disease-causing. For these reasons, this variant has been classified as Pathogenic.

Blueprint Genetics
Classification: Likely pathogenic for COL2A1-related disorders. Last evaluated: 2021-06-24. Review status: criteria provided, single submitter. Criteria: ACMG Guidelines, 2015. Collection method: clinical testing. Allele origin: germline. Affected: yes. Observed: 2 variant alleles.

Literature cited by the submitters: PubMed 28265456 (cited by Labcorp Genetics (formerly Invitae), Labcorp).

NM_001844.5(COL2A1):c.3969C>G (p.Cys1323Trp)

Gene: COL2A1 (collagen type II alpha 1 chain; minus strand). Cytogenetic location: 12q13.11.
Variant type: single nucleotide variant.
Coding change: c.3969C>G on transcript NM_001844.5 (MANE Select); coding-DNA position 3969, C replaced by G.
Protein change: p.Cys1323Trp; replaces cysteine 1323 with tryptophan.
Molecular consequence: missense variant.
Genome position (GRCh38, 1-based): chr12:47,974,780, G>C on the plus strand (C>G on the coding strand, the complement: COL2A1 is on the minus strand). VCF-style: chr12-47974780-G-C. GRCh37 (hg19) VCF-style: chr12-48368563-G-C.
Other names: c.3762C>G, p.Cys1254Trp (NM_033150.3); short protein forms C1254W, C1323W.
Identifiers: ClinVar variation 2137323 (VCV002137323.5), dbSNP rs577585827, ClinGen allele CA384535825.